The following is an entry in ClinVar:

NM_000553.6(WRN):c.3805A>G (p.Lys1269Glu)

Gene: WRN (WRN RecQ like helicase; plus strand). Cytogenetic location: 8p12.
Variant type: single nucleotide variant.
Coding change: c.3805A>G on transcript NM_000553.6 (MANE Select); coding-DNA position 3805, A replaced by G.
Protein change: p.Lys1269Glu; replaces lysine 1269 with glutamic acid.
Molecular consequence: missense variant.
Genome position (GRCh38, 1-based): chr8:31,154,741, A>G. VCF-style: chr8-31154741-A-G. GRCh37 (hg19) VCF-style: chr8-31012257-A-G.
Other names: short protein forms K1269E.
Identifiers: ClinVar variation 949213 (VCV000949213.6), dbSNP rs746648510, ClinGen allele CA4705180.

ClinVar aggregate classification (germline): Uncertain significance (1 of 4 stars; one submission).

Conditions:
Werner syndrome (WRN). Identifiers: Orphanet 902, MedGen C0043119, MONDO:0010196, OMIM 277700.

Allele frequency attached by ClinVar (database versions not stated): gnomAD exomes below 0.00001; ExAC 0.00001; gnomAD 0.00002 and 0.00003; TOPMed 0.00002.
gnomAD v4.1: 5 of 1,613,514 alleles (0.00031%); highest among the groups gnomAD compares: African/African-American, 0.0053%; no homozygotes.

Submission:

Labcorp Genetics (formerly Invitae), Labcorp
Classification: Uncertain significance for Werner syndrome. Last evaluated: 2023-01-23. Review status: criteria provided, single submitter. Criteria: Invitae Variant Classification Sherloc (09022015). Collection method: clinical testing. Allele origin: germline.
Comment: This sequence change replaces lysine, which is basic and polar, with glutamic acid, which is acidic and polar, at codon 1269 of the WRN protein (p.Lys1269Glu). This variant is present in population databases (rs746648510, gnomAD 0.008%). This variant has not been reported in the literature in individuals affected with WRN-related conditions. ClinVar contains an entry for this variant (Variation ID: 949213). An algorithm developed to predict the effect of missense changes on protein structure and function (PolyPhen-2) suggests that this variant is likely to be tolerated. In summary, the available evidence is currently insufficient to determine the role of this variant in disease. Therefore, it has been classified as a Variant of Uncertain Significance.